The following is an entry in ClinVar:

NM_000551.4(VHL):c.115G>A (p.Gly39Ser)

Gene: VHL (von Hippel-Lindau tumor suppressor; plus strand). Cytogenetic location: 3p25.3.
Variant type: single nucleotide variant.
Coding change: c.115G>A on transcript NM_000551.4 (MANE Select); coding-DNA position 115, G replaced by A.
Protein change: p.Gly39Ser; replaces glycine 39 with serine.
Molecular consequence: missense variant.
Genome position (GRCh38, 1-based): chr3:10,141,962, G>A. VCF-style: chr3-10141962-G-A. GRCh37 (hg19) VCF-style: chr3-10183646-G-A.
Other names: c.115G>A, p.Gly39Ser (NM_001354723.2, NM_198156.3); short protein forms G39S.
Identifiers: ClinVar variation 818440 (VCV000818440.13), dbSNP rs768650092, ClinGen allele CA351747863.

ClinVar aggregate classification (germline): Uncertain significance. Review status: criteria provided, multiple submitters, no conflicts (2 of 4 stars). 2 submissions from 2 submitters: Uncertain significance (2). Last evaluated 2024-01-09.

Conditions:
Von Hippel-Lindau syndrome (VHLS). Also called: VHL syndrome; Von Hippel-Lindau; von Hippel–Lindau syndrome. Identifiers: Orphanet 892, MedGen C0019562, MONDO:0008667, OMIM 193300. Disease mechanism: loss of function.
Chuvash polycythemia. Also called: POLYCYTHEMIA, VHL-DEPENDENT. Identifiers: Orphanet 238557, MedGen C1837915, MONDO:0009892, OMIM 263400.
Hereditary cancer-predisposing syndrome. Also called: Hereditary Cancer Syndrome; Neoplastic Syndromes, Hereditary; Hereditary neoplastic syndrome; Tumor predisposition. Identifiers: Orphanet 140162, MedGen C0027672, MeSH D009386, MONDO:0015356.

gnomAD v4.1: 2 of 1,550,916 alleles (0.00013%); highest among the groups gnomAD compares: Non-Finnish European, 0.00017%; no homozygotes.

Submissions (2):

Labcorp Genetics (formerly Invitae), Labcorp
Classification: Uncertain significance for Von Hippel-Lindau syndrome; Chuvash polycythemia. Last evaluated: 2024-01-09. Review status: criteria provided, single submitter. Criteria: Invitae Variant Classification Sherloc (09022015). Collection method: clinical testing. Allele origin: germline.
Comment: This sequence change replaces glycine, which is neutral and non-polar, with serine, which is neutral and polar, at codon 39 of the VHL protein (p.Gly39Ser). This variant is present in population databases (no rsID available, gnomAD 0.002%). This variant has not been reported in the literature in individuals affected with VHL-related conditions. ClinVar contains an entry for this variant (Variation ID: 818440). Advanced modeling of protein sequence and biophysical properties (such as structural, functional, and spatial information, amino acid conservation, physicochemical variation, residue mobility, and thermodynamic stability) performed at Invitae indicates that this missense variant is not expected to disrupt VHL protein function with a negative predictive value of 95%. In summary, the available evidence is currently insufficient to determine the role of this variant in disease. Therefore, it has been classified as a Variant of Uncertain Significance.

Ambry Genetics
Classification: Uncertain significance for Hereditary cancer-predisposing syndrome. Last evaluated: 2018-01-23. Review status: criteria provided, single submitter. Criteria: Ambry Variant Classification Scheme 2023. Collection method: clinical testing. Allele origin: germline.
Comment: The p.G39S variant (also known as c.115G>A), located in coding exon 1 of the VHL gene, results from a G to A substitution at nucleotide position 115. The glycine at codon 39 is replaced by serine, an amino acid with similar properties. This amino acid position is well conserved in available vertebrate species. In addition, this alteration is predicted to be tolerated by in silico analysis. Since supporting evidence is limited at this time, the clinical significance of this alteration remains unclear.